The following is an entry in ClinVar:

ClinVar aggregate classification (germline): Uncertain significance (1 of 4 stars; one submission).

Conditions:
Mitochondrial DNA depletion syndrome 13. Also called: FBXL4-Related Encephalomyopathic Mitochondrial DNA Depletion Syndrome; Mitochondrial DNA depletion syndrome 13 (encephalomyopathic type). Identifiers: Orphanet 369897, MedGen C3809592, MONDO:0014198, OMIM 615471.

Allele frequency attached by ClinVar (database versions not stated): gnomAD 0.00001; 1000 Genomes Project 30x 0.00016; 1000 Genomes Project 0.00020.
gnomAD v4.1: 9 of 1,566,304 alleles (0.00057%); highest among the groups gnomAD compares: South Asian, 0.0012%; no homozygotes.

Submission:

Wong Mito Lab, Molecular and Human Genetics, Baylor College of Medicine
Classification: Uncertain significance for Mitochondrial DNA depletion syndrome 13. Last evaluated: 2017-08-10. Review status: criteria provided, single submitter. Criteria: ACMG Guidelines, 2015. Collection method: reference population. Allele origin: germline.
Comment: The NM_012160.4:c.513-13C>A (NP_036292.2:p.=) [GRCH38: NC_000006.12:g.98917732G>T] variant in FBXL4 gene is interpretated to be a Uncertain Significance - Insufficient Evidence based on ACMG guidelines (PMID: 25741868). This variant meets one or more of the following evidence codes reported in the ACMG-guideline. PM2:This variant is absent in key population databases. Based on this evidence code ClinGen Pathogenicity Calculator (PMID:28081714) suggested that the variant is Uncertain Significance - Insufficient Evidence.

NM_001278716.2(FBXL4):c.513-13C>A

Gene: FBXL4 (F-box and leucine rich repeat protein 4; minus strand). Cytogenetic location: 6q16.2.
Variant type: single nucleotide variant.
Coding change: c.513-13C>A on transcript NM_001278716.2 (MANE Select); 13 bases into the intron before coding-DNA position 513, C replaced by A.
Molecular consequence: intron variant.
Genome position (GRCh38, 1-based): chr6:98,917,732, G>T on the plus strand (C>A on the coding strand, the complement: FBXL4 is on the minus strand). VCF-style: chr6-98917732-G-T. GRCh37 (hg19) VCF-style: chr6-99365608-G-T.
Other names: c.513-13C>A (NM_012160.5).
Identifiers: ClinVar variation 437587 (VCV000437587.1), dbSNP rs200592647, ClinGen allele CA3933667.
Genomic context (GRCh38, chr6:98,917,732, plus strand): 5'-TGGGAAGCATTCACCTTCGTAGGTCTCTCTGACCAAAGAATCTCCCATCTGCCAAAAAAA[G>T]AAACTTCCCTATAATACAGTTTAGAATGAGATCTACTGGTCCCTTAAGGTTATAGACCCA-3'